The following is an entry in ClinVar:

ClinVar aggregate classification (germline): Uncertain significance (1 of 4 stars; one submission).

Allele frequency attached by ClinVar (database versions not stated): TOPMed 0.00002; ExAC 0.00003; gnomAD 0.00001; gnomAD exomes 0.00001.
gnomAD v4.1: 13 of 1,602,950 alleles (0.00081%); highest among the groups gnomAD compares: Admixed American, 0.0052%; no homozygotes.

Submission:

Ambry Genetics
Classification: Uncertain significance. Last evaluated: 2026-08-03. Review status: criteria provided, single submitter. Criteria: Ambry Variant Classification Scheme 2023. Collection method: clinical testing. Allele origin: germline.
Comment: The c.7740A>C (p.E2580D) alteration is located in exon 43 (coding exon 43) of the DNAH7 gene. This alteration results from a A to C substitution at nucleotide position 7740, causing the glutamic acid (E) at amino acid position 2580 to be replaced by an aspartic acid (D). Based on data from gnomAD, the C allele has an overall frequency of 0.003% (6/240726) total alleles studied. The highest observed frequency was 0.006% (2/32852) of Latino alleles. Based on insufficient or conflicting evidence, the clinical significance of this alteration remains unclear.

NM_018897.3(DNAH7):c.7740A>C (p.Glu2580Asp)

Genes: DNAH7 (dynein axonemal heavy chain 7; minus strand), LOC126806457 (BRD4-independent group 4 enhancer GRCh37_chr2:196722945-196724144; plus strand). Cytogenetic location: 2q32.3.
Variant type: single nucleotide variant.
Coding change: c.7740A>C on transcript NM_018897.3 (MANE Select); coding-DNA position 7740, A replaced by C.
Protein change: p.Glu2580Asp; replaces glutamic acid 2580 with aspartic acid.
Molecular consequence: missense variant.
Genome position (GRCh38, 1-based): chr2:195,858,801, T>G on the plus strand (A>C on the coding strand, the complement: DNAH7 is on the minus strand). VCF-style: chr2-195858801-T-G. GRCh37 (hg19) VCF-style: chr2-196723525-T-G.
Other names: short protein forms E2580D.
Identifiers: ClinVar variation 2348173 (VCV002348173.3), dbSNP rs760613810, ClinGen allele CA2034784.